The following is an entry in ClinVar:

NM_001267550.2(TTN):c.61651G>A (p.Ala20551Thr)

Genes: TTN (titin; minus strand), TTN-AS1 (TTN antisense RNA 1; plus strand). Cytogenetic location: 2q31.2.
Variant type: single nucleotide variant.
Coding change: c.61651G>A on transcript NM_001267550.2 (MANE Select); coding-DNA position 61651, G replaced by A.
Protein change: p.Ala20551Thr; replaces alanine 20551 with threonine.
Molecular consequence: missense variant.
Genome position (GRCh38, 1-based): chr2:178,590,074, C>T on the plus strand (G>A on the coding strand, the complement: TTN is on the minus strand). VCF-style: chr2-178590074-C-T. GRCh37 (hg19) VCF-style: chr2-179454801-C-T.
Other names: c.56728G>A, p.Ala18910Thr (NM_001256850.1); c.34456G>A, p.Ala11486Thr (NM_003319.4); c.53947G>A, p.Ala17983Thr (NM_133378.4); c.34831G>A, p.Ala11611Thr (NM_133432.3); c.35032G>A, p.Ala11678Thr (NM_133437.4); short protein forms A11486T, A11611T, A11678T, A17983T, A18910T, A20551T.
Identifiers: ClinVar variation 2651622 (VCV002651622.24), dbSNP rs765205726, ClinGen allele CA349470623.

ClinVar aggregate classification (germline): Uncertain significance (1 of 4 stars; one submission).

gnomAD v4.1: 1 of 1,613,172 alleles (0.000062%); highest among the groups gnomAD compares: Non-Finnish European, 0.000085%; no homozygotes.

Submission:

CeGaT Center for Human Genetics Tuebingen
Classification: Uncertain significance. Last evaluated: 2022-07-01. Review status: criteria provided, single submitter. Criteria: CeGaT Center For Human Genetics Tuebingen Variant Classification Criteria Version 2. Collection method: clinical testing. Allele origin: germline. Affected: yes. Observed: 1 variant allele.
Comment: TTN: PM2